The following is an entry in ClinVar:

ClinVar aggregate classification (germline): Uncertain significance (1 of 4 stars; one submission).

Submission:

Labcorp Genetics (formerly Invitae), Labcorp
Classification: Uncertain significance. Last evaluated: 2022-05-24. Review status: criteria provided, single submitter. Criteria: Invitae Variant Classification Sherloc (09022015). Collection method: clinical testing. Allele origin: germline.
Comment: In summary, the available evidence is currently insufficient to determine the role of this variant in disease. Therefore, it has been classified as a Variant of Uncertain Significance. Algorithms developed to predict the effect of missense changes on protein structure and function are either unavailable or do not agree on the potential impact of this missense change (SIFT: "Tolerated"; PolyPhen-2: "Possibly Damaging"; Align-GVGD: "Class C0"). This variant has not been reported in the literature in individuals affected with PLD1-related conditions. This variant is not present in population databases (gnomAD no frequency). This sequence change replaces aspartic acid, which is acidic and polar, with asparagine, which is neutral and polar, at codon 750 of the PLD1 protein (p.Asp750Asn).

NM_002662.5(PLD1):c.2248G>A (p.Asp750Asn)

Gene: PLD1 (phospholipase D1; minus strand). Cytogenetic location: 3q26.31.
Variant type: single nucleotide variant.
Coding change: c.2248G>A on transcript NM_002662.5 (MANE Select); coding-DNA position 2248, G replaced by A.
Protein change: p.Asp750Asn; replaces aspartic acid 750 with asparagine.
Molecular consequence: missense variant.
Genome position (GRCh38, 1-based): chr3:171,662,152, C>T on the plus strand (G>A on the coding strand, the complement: PLD1 is on the minus strand). VCF-style: chr3-171662152-C-T. GRCh37 (hg19) VCF-style: chr3-171379942-C-T.
Other names: c.2134G>A, p.Asp712Asn (NM_001130081.3); short protein forms D712N, D750N.
Identifiers: ClinVar variation 1462497 (VCV001462497.6), dbSNP rs2108438562, ClinGen allele CA355530272.
Genomic context (GRCh38, chr3:171,662,152, plus strand): 5'-TCACATGGACGTAAGCGGCGTGGATGGACTCTTCATGGTACTTTATACCAGCAGACCAAT[C>T]AGCAGCAGAGCGGAGCAACTACAAGGCAGCAATCAGAAATGAACAAGTATTAGCAATGGA-3'
Protein context (NP_002653.1, residues 740-760): ANVQLLRSAA[Asp750Asn]WSAGIKYHEE